The following is an entry in ClinVar:

NM_014516.4(CNOT3):c.114G>A (p.Ala38=)

Gene: CNOT3 (CCR4-NOT transcription complex subunit 3; plus strand). Cytogenetic location: 19q13.42.
Variant type: single nucleotide variant.
Coding change: c.114G>A on transcript NM_014516.4 (MANE Select); coding-DNA position 114, G replaced by A.
Protein change: p.Ala38=; no amino-acid change (alanine 38 retained).
Molecular consequence: synonymous variant.
Genome position (GRCh38, 1-based): chr19:54,143,462, G>A. VCF-style: chr19-54143462-G-A. GRCh37 (hg19) VCF-style: chr19-54647198-G-A.
Identifiers: ClinVar variation 1970984 (VCV001970984.20), dbSNP rs148887462, ClinGen allele CA309338439.

ClinVar aggregate classification (germline): Benign/Likely benign. Review status: criteria provided, multiple submitters, no conflicts (2 of 4 stars). 3 submissions from 3 submitters: Benign (1); Likely benign (2). Last evaluated 2026-09-01.

Allele frequency attached by ClinVar (database versions not stated): ESP Exome Variant Server 0.00008; gnomAD 0.00042; ExAC 0.00043; TOPMed 0.00047; gnomAD exomes 0.00064.
gnomAD v4.1: 999 of 1,613,868 alleles (0.062%); highest among the groups gnomAD compares: Non-Finnish European, 0.077%; 1 homozygote.

Submissions (3):

CeGaT Center for Human Genetics Tuebingen
Classification: Likely benign. Last evaluated: 2026-09-01. Review status: criteria provided, single submitter. Criteria: CeGaT Center For Human Genetics Tuebingen Variant Classification Criteria Version 2. Collection method: clinical testing. Allele origin: germline. Affected: yes. Observed: 3 variant alleles.
Comment: CNOT3: BP4, BP7

Labcorp Genetics (formerly Invitae), Labcorp
Classification: Benign. Last evaluated: 2025-12-23. Review status: criteria provided, single submitter. Criteria: Invitae Variant Classification Sherloc (09022015). Collection method: clinical testing. Allele origin: germline.

Blueprint Genetics
Classification: Likely benign. Last evaluated: 2024-11-19. Review status: criteria provided, single submitter. Criteria: ACMG Guidelines, 2015. Collection method: clinical testing. Allele origin: germline.